The following is an entry in ClinVar:

ClinVar aggregate classification (germline): Likely pathogenic (1 of 4 stars; one submission).

Conditions:
Aspartylglucosaminuria (AGU). Also called: GLYCOASPARAGINASE; GLYCOSYLASPARAGINASE DEFICIENCY; AGA DEFICIENCY; Aspartylglucos-aminuria; Aspartylglucos-amidase (AGA) deficiency. Identifiers: Orphanet 93, MedGen C0268225, MONDO:0008830, OMIM 208400, HP:0012068.

Submission:

Women's Health and Genetics/Laboratory Corporation of America, LabCorp
Classification: Likely pathogenic for Aspartylglucosaminuria. Last evaluated: 2023-04-14. Review status: criteria provided, single submitter. Criteria: LabCorp Variant Classification Summary - May 2015. Collection method: clinical testing. Allele origin: germline.
Comment: Variant summary: AGA c.39delG (p.Leu15CysfsX6) results in a premature termination codon, predicted to cause a truncation of the encoded protein or absence of the protein due to nonsense mediated decay, which are commonly known mechanisms for disease. The next downstream in-frame ATG start site is at codon 63 (Exon 2), however, other truncating variants downstream of the variant but upstream of the potential new start codon have been classified as pathogenic by our lab and reported in the literature in individual affected with aspartylglycosaminuria, specifically variant c.101_107del (p.Trp34Leufs*12; PMIDs: 8457202, 11309371). The variant was absent in 251194 control chromosomes. To our knowledge, no occurrence of c.39delG in individuals affected with Aspartylglucosaminuria and no experimental evidence demonstrating its impact on protein function have been reported. No clinical diagnostic laboratories have submitted clinical-significance assessments for this variant to ClinVar after 2014. Based on the evidence outlined above, the variant was classified as likely pathogenic.

NM_000027.4(AGA):c.39del (p.Leu15fs)

Gene: AGA (aspartylglucosaminidase; minus strand). Cytogenetic location: 4q34.3.
Variant type: Deletion.
Coding change: c.39del on transcript NM_000027.4 (MANE Select); coding-DNA position 39, one base deleted (G; older notation c.39delG).
Protein change: p.Leu15fs; shifts the reading frame from leucine 15.
Molecular consequence: frameshift variant. On other transcripts: non-coding transcript variant (1).
Genome position (GRCh38, 1-based): chr4:177,442,337, C deleted on the plus strand (G on the coding strand, the reverse complement: AGA is on the minus strand). VCF-style (leftmost placement, unchanged base first): chr4-177442336-AC-A. GRCh37 (hg19) VCF-style: chr4-178363490-AC-A.
Other names: c.39del, p.Leu15fs (NM_001171988.2); c.39delG (NM_000027.3); short protein forms L15fs.
Identifiers: ClinVar variation 2503825 (VCV002503825.1), dbSNP rs2476887072, ClinGen allele CA2580613488.